The following is an entry in ClinVar:

ClinVar aggregate classification (germline): Conflicting classifications of pathogenicity. Review status: criteria provided, conflicting classifications (1 of 4 stars). 3 submissions from 3 submitters: Uncertain significance (2); Benign (1). Last evaluated 2026-01-31.

Allele frequency attached by ClinVar (database versions not stated): gnomAD exomes 0.00001 and 0.00005; gnomAD 0.00019 and 0.00018; 1000 Genomes Project 0.00060; TOPMed 0.00014; 1000 Genomes Project 30x 0.00047; ExAC 0.00007; ESP Exome Variant Server 0.00008.
gnomAD v4.1: 47 of 1,602,012 alleles (0.0029%); highest among the groups gnomAD compares: African/African-American, 0.05%; no homozygotes.

Submissions (3):

Labcorp Genetics (formerly Invitae), Labcorp
Classification: Benign. Last evaluated: 2026-01-31. Review status: criteria provided, single submitter. Criteria: Invitae Variant Classification Sherloc (09022015). Collection method: clinical testing. Allele origin: germline.

GeneDx
Classification: Uncertain significance. Last evaluated: 2025-12-04. Review status: criteria provided, single submitter. Criteria: GeneDx Variant Classification Process June 2021. Collection method: clinical testing. Allele origin: germline.
Comment: In silico analysis suggests that this missense variant does not alter protein structure/function; Has not been previously published as pathogenic or benign to our knowledge

Eurofins Ntd Llc (ga)
Classification: Uncertain significance. Last evaluated: 2017-04-03. Review status: criteria provided, single submitter. Criteria: EGL Classification Definitions 2015. Collection method: clinical testing. Allele origin: germline. Observed: 1 variant allele, 1 heterozygote.

NM_194248.3(OTOF):c.4946T>C (p.Ile1649Thr)

Gene: OTOF (otoferlin; minus strand). Cytogenetic location: 2p23.3.
Variant type: single nucleotide variant.
Coding change: c.4946T>C on transcript NM_194248.3 (MANE Select); coding-DNA position 4946, T replaced by C.
Protein change: p.Ile1649Thr; replaces isoleucine 1649 with threonine.
Molecular consequence: missense variant.
Genome position (GRCh38, 1-based): chr2:26,464,883, A>G on the plus strand (T>C on the coding strand, the complement: OTOF is on the minus strand). VCF-style: chr2-26464883-A-G. GRCh37 (hg19) VCF-style: chr2-26687751-A-G.
Other names: c.4946T>C, p.Ile1649Thr (NM_001287489.2); c.2645T>C, p.Ile882Thr (NM_004802.4, NM_194323.3); c.2876T>C, p.Ile959Thr (NM_194322.3); short protein forms I1649T, I882T, I959T.
Identifiers: ClinVar variation 501252 (VCV000501252.10), dbSNP rs146618661, ClinGen allele CA1562993.